The following is an entry in ClinVar:

NM_000307.5(POU3F4):c.964G>A (p.Val322Met)

Gene: POU3F4 (POU class 3 homeobox 4; plus strand). Cytogenetic location: Xq21.1.
Variant type: single nucleotide variant.
Coding change: c.964G>A on transcript NM_000307.5 (MANE Select); coding-DNA position 964, G replaced by A.
Protein change: p.Val322Met; replaces valine 322 with methionine.
Molecular consequence: missense variant.
Genome position (GRCh38, 1-based): chrX:83,509,288, G>A. VCF-style: chrX-83509288-G-A. GRCh37 (hg19) VCF-style: chrX-82764296-G-A.
Other names: short protein forms V322M.
Identifiers: ClinVar variation 43354 (VCV000043354.5), dbSNP rs111033291, ClinGen allele CA132466.

ClinVar aggregate classification (germline): Uncertain significance (1 of 4 stars; one submission).

Submission:

Laboratory for Molecular Medicine, Mass General Brigham Personalized Medicine
Classification: Uncertain significance. Last evaluated: 2011-03-25. Review status: criteria provided, single submitter. Criteria: LMM Criteria. Collection method: clinical testing. Allele origin: germline. Observed: 2 variant alleles.
Comment: Variant classified as Uncertain Significance - Favor Pathogenic. The Val322Met v ariant in POU3F4 has not been reported in the literature nor previously identifi ed by our laboratory in any other families. However, this mutation occurs withi n the POU homeodomain (amino acids 279-336) where almost all pathogenic missense mutations have been identified. In addition, this residue is conserved across m ammals and lower species and computational analyses (PolyPhen2, SIFT, AlignGVGD, MAPP) suggest that the Val322Met variant may impact the protein. However, this information is not predictive enough to assume pathogenicity. In summary, the cl inical significance of this variant cannot be determined with certainty at this time; however based upon the arguments described above, we would lean towards a more likely pathogenic role.